The following is an entry in ClinVar:

NC_000023.10:g.(?_154105777)_(154113526_?)dup

Genes: F8 (coagulation factor VIII; minus strand), H2AB1 (H2A.B variant histone 1; plus strand). Cytogenetic location: Xq28.
Variant type: Duplication.
Identifiers: ClinVar variation 3366902 (VCV003366902.1).

ClinVar aggregate classification (germline): Uncertain significance (1 of 4 stars; one submission).

Conditions:
Hereditary factor VIII deficiency disease (HEMA). Also called: HEMOPHILIA, CLASSIC; AUTOSOMAL HEMOPHILIA A; Hemophilia A; Hemophilia A, congenital; HEM A; Factor 8 deficiency, congenital. Identifiers: Orphanet 98878, MedGen C0019069, MONDO:0010602, OMIM 306700.

Submission:

The Central Laboratory of Birth Defects Prevention and Control, The Affiliated Women and Children's Hospital of Ningbo University
Classification: Uncertain significance for Hemophilia A. Last evaluated: 2024-09-30. Review status: criteria provided, single submitter. Criteria: ACMG/ClinGen CNV Guidelines, 2019. Collection method: clinical testing. Allele origin: germline. Affected: yes.
Comment: Variant summary: The CNV identified by Oxford Nanopore sequencing and optical genome mapping involves 7.75Kb duplication of part of int22h-1 in the F8 gene. Although exact breakpoints of this duplication are not known, it is expected to result in isolation of F8 gene, a known mechanism of disease (PMID: 30088696). No submitters have reported clinical-significance assessments for this CNV to ClinVar. According to the ACMG, the CNV of F8 is a variant of uncertain significance (1A, 2I (Scoring: 0.3), 3A, 5D(Scoring: 0.45))(PMID: 31690835).